The following is an entry in ClinVar:

NM_000388.4(CASR):c.2182G>A (p.Val728Ile)

Gene: CASR (calcium sensing receptor; plus strand). Cytogenetic location: 3q21.1.
Variant type: single nucleotide variant.
Coding change: c.2182G>A on transcript NM_000388.4 (MANE Select); coding-DNA position 2182, G replaced by A.
Protein change: p.Val728Ile; replaces valine 728 with isoleucine.
Molecular consequence: missense variant.
Genome position (GRCh38, 1-based): chr3:122,284,136, G>A. VCF-style: chr3-122284136-G-A. GRCh37 (hg19) VCF-style: chr3-122002983-G-A.
Other names: c.2212G>A, p.Val738Ile (NM_001178065.2); short protein forms V728I, V738I.
Identifiers: ClinVar variation 1443156 (VCV001443156.8), dbSNP rs1576877587, ClinGen allele CA354158919.

ClinVar aggregate classification (germline): Uncertain significance (1 of 4 stars; one submission).

Conditions:
Autosomal dominant hypocalcemia 1 (HYPOC1). Also called: HYPOCALCEMIA, FAMILIAL. Identifiers: MedGen C3715128, MONDO:0011013, OMIM 601198.
Familial hypocalciuric hypercalcemia (FHH). Also called: Familial benign hypercalcemia. Identifiers: Orphanet 405, MedGen C1809471, MONDO:0018458.

Submission:

Labcorp Genetics (formerly Invitae), Labcorp
Classification: Uncertain significance for Familial hypocalciuric hypercalcemia; Autosomal dominant hypocalcemia 1. Last evaluated: 2021-07-07. Review status: criteria provided, single submitter. Criteria: Invitae Variant Classification Sherloc (09022015). Collection method: clinical testing. Allele origin: germline.
Comment: This sequence change replaces valine with isoleucine at codon 728 of the CASR protein (p.Val728Ile). The valine residue is highly conserved and there is a small physicochemical difference between valine and isoleucine. This variant is not present in population databases (ExAC no frequency). This variant has not been reported in the literature in individuals with CASR-related conditions. Algorithms developed to predict the effect of missense changes on protein structure and function (SIFT, PolyPhen-2, Align-GVGD) all suggest that this variant is likely to be disruptive, but these predictions have not been confirmed by published functional studies and their clinical significance is uncertain. In summary, the available evidence is currently insufficient to determine the role of this variant in disease. Therefore, it has been classified as a Variant of Uncertain Significance.